The following is an entry in ClinVar:

ClinVar aggregate classification (germline): Uncertain significance (1 of 4 stars; one submission).

Conditions:
Charcot-Marie-Tooth disease type 4. Also called: Charcot-Marie-Tooth disease, type IV; Charcot-Marie-Tooth, Type 4. Identifiers: Orphanet 64749, MedGen C4082197, MONDO:0018995.

Allele frequency attached by ClinVar (database versions not stated): gnomAD exomes below 0.00001.
gnomAD v4.1: 1 of 1,614,202 alleles (0.000062%); highest among the groups gnomAD compares: Admixed American, 0.0017%; no homozygotes.

Submission:

Labcorp Genetics (formerly Invitae), Labcorp
Classification: Uncertain significance for Charcot-Marie-Tooth disease type 4. Last evaluated: 2023-11-27. Review status: criteria provided, single submitter. Criteria: Invitae Variant Classification Sherloc (09022015). Collection method: clinical testing. Allele origin: germline.
Comment: This sequence change replaces histidine, which is basic and polar, with tyrosine, which is neutral and polar, at codon 718 of the FGD4 protein (p.His718Tyr). This variant is not present in population databases (gnomAD no frequency). This variant has not been reported in the literature in individuals affected with FGD4-related conditions. ClinVar contains an entry for this variant (Variation ID: 1361486). Advanced modeling of protein sequence and biophysical properties (such as structural, functional, and spatial information, amino acid conservation, physicochemical variation, residue mobility, and thermodynamic stability) performed at Invitae indicates that this missense variant is not expected to disrupt FGD4 protein function with a negative predictive value of 80%. In summary, the available evidence is currently insufficient to determine the role of this variant in disease. Therefore, it has been classified as a Variant of Uncertain Significance.

NM_001370298.3(FGD4):c.2563C>T (p.His855Tyr)

Gene: FGD4 (FYVE, RhoGEF and PH domain containing 4; plus strand). Cytogenetic location: 12p11.21.
Variant type: single nucleotide variant.
Coding change: c.2563C>T on transcript NM_001370298.3 (MANE Select); coding-DNA position 2563, C replaced by T.
Protein change: p.His855Tyr; replaces histidine 855 with tyrosine.
Molecular consequence: missense variant.
Genome position (GRCh38, 1-based): chr12:32,640,384, C>T. VCF-style: chr12-32640384-C-T. GRCh37 (hg19) VCF-style: chr12-32793318-C-T.
Other names: c.2152C>T, p.His718Tyr (NM_001384127.1, NM_001384128.1, NM_001385118.1 and 1 more transcripts); c.1873C>T, p.His625Tyr (NM_001384130.1, NM_001330373.2, NM_001330374.2); c.2407C>T, p.His803Tyr (NM_001304481.2); c.1120C>T, p.His374Tyr (NM_001304484.2); c.1600C>T, p.His534Tyr (NM_001370297.1); c.2563C>T, p.His855Tyr (NM_001384126.1); short protein forms H625Y, H803Y, H374Y, H718Y, H855Y, H534Y.
Identifiers: ClinVar variation 1361486 (VCV001361486.5), dbSNP rs908838682, ClinGen allele CA235247969.